The following is an entry in ClinVar:

NM_003482.4(KMT2D):c.13190G>T (p.Gly4397Val)

Gene: KMT2D (lysine methyltransferase 2D; minus strand). Cytogenetic location: 12q13.12.
Variant type: single nucleotide variant.
Coding change: c.13190G>T on transcript NM_003482.4 (MANE Select); coding-DNA position 13190, G replaced by T.
Protein change: p.Gly4397Val; replaces glycine 4397 with valine.
Molecular consequence: missense variant.
Genome position (GRCh38, 1-based): chr12:49,031,515, C>A on the plus strand (G>T on the coding strand, the complement: KMT2D is on the minus strand). VCF-style: chr12-49031515-C-A. GRCh37 (hg19) VCF-style: chr12-49425298-C-A.
Other names: short protein forms G4397V.
Identifiers: ClinVar variation 4737631 (VCV004737631.1).
Genomic context (GRCh38, chr12:49,031,515, plus strand): 5'-TGCTTGATGCTGAGTTGGGATGCCTCAGGCACCACCTGTCCATTCACCTGGTCCAGATGC[C>A]CAGGTACCAGGCTGCTCTGCTCTGGCTTCTGGGTTTCTGCTAGGTTGTCTGGGGGATCCC-3'
Protein context (NP_003473.3, residues 4387-4407): QKPEQSSLVP[Gly4397Val]HLDQVNGQVV

ClinVar aggregate classification (germline): Uncertain significance (1 of 4 stars; one submission).

Conditions:
Kabuki syndrome. Also called: NIIKAWA-KUROKI SYNDROME; Kabuki make-up syndrome. Identifiers: Orphanet 2322, MedGen C0796004, MONDO:0016512.

Submission:

Labcorp Genetics (formerly Invitae), Labcorp
Classification: Uncertain significance for Kabuki syndrome. Last evaluated: 2025-06-02. Review status: criteria provided, single submitter. Criteria: Invitae Variant Classification Sherloc (09022015). Collection method: clinical testing. Allele origin: germline.
Comment: This sequence change replaces glycine, which is neutral and non-polar, with valine, which is neutral and non-polar, at codon 4397 of the KMT2D protein (p.Gly4397Val). This variant is not present in population databases (gnomAD no frequency). This missense change has been observed in individual(s) with congenital anomalies of kidney and urinary tract (PMID: 30143558). Invitae Evidence Modeling of protein sequence and biophysical properties (such as structural, functional, and spatial information, amino acid conservation, physicochemical variation, residue mobility, and thermodynamic stability) indicates that this missense variant is not expected to disrupt KMT2D protein function with a negative predictive value of 95%. In summary, the available evidence is currently insufficient to determine the role of this variant in disease. Therefore, it has been classified as a Variant of Uncertain Significance.

Literature cited by the submitters: PubMed 30143558.